The following is an entry in ClinVar:

NM_001999.4(FBN2):c.2899C>T (p.Pro967Ser)

Gene: FBN2 (fibrillin 2; minus strand). Cytogenetic location: 5q23.3.
Variant type: single nucleotide variant.
Coding change: c.2899C>T on transcript NM_001999.4 (MANE Select); coding-DNA position 2899, C replaced by T.
Protein change: p.Pro967Ser; replaces proline 967 with serine.
Molecular consequence: missense variant.
Genome position (GRCh38, 1-based): chr5:128,349,437, G>A on the plus strand (C>T on the coding strand, the complement: FBN2 is on the minus strand). VCF-style: chr5-128349437-G-A. GRCh37 (hg19) VCF-style: chr5-127685129-G-A.
Other names: short protein forms P967S.
Identifiers: ClinVar variation 3277969 (VCV003277969.1).

ClinVar aggregate classification (germline): Uncertain significance (1 of 4 stars; one submission).

Conditions:
Familial thoracic aortic aneurysm and aortic dissection (TAAD). Also called: Thoracic aortic aneurysms and dissections. Identifiers: Orphanet 91387, MedGen C4707243, MONDO:0019625.

Submission:

Ambry Genetics
Classification: Uncertain significance for Familial thoracic aortic aneurysm and aortic dissection. Last evaluated: 2024-05-03. Review status: criteria provided, single submitter. Criteria: Ambry Variant Classification Scheme 2023. Collection method: clinical testing. Allele origin: germline.
Comment: The p.P967S variant (also known as c.2899C>T), located in coding exon 23 of the FBN2 gene, results from a C to T substitution at nucleotide position 2899. The proline at codon 967 is replaced by serine, an amino acid with similar properties. This amino acid position is not well conserved in available vertebrate species. In addition, the in silico prediction for this alteration is inconclusive. Based on the available evidence, the clinical significance of this variant remains unclear.